The following is an entry in ClinVar:

NM_001928.4(CFD):c.190G>A (p.Ala64Thr)

Gene: CFD (complement factor D; plus strand). Cytogenetic location: 19p13.3.
Variant type: single nucleotide variant.
Coding change: c.190G>A on transcript NM_001928.4 (MANE Select); coding-DNA position 190, G replaced by A.
Protein change: p.Ala64Thr; replaces alanine 64 with threonine.
Molecular consequence: missense variant.
Genome position (GRCh38, 1-based): chr19:860,751, G>A. VCF-style: chr19-860751-G-A. GRCh37 (hg19) VCF-style: chr19-860751-G-A.
Other names: c.211G>A, p.Ala71Thr (NM_001317335.2); short protein forms A64T, A71T.
Identifiers: ClinVar variation 1927909 (VCV001927909.4), dbSNP rs753471486, ClinGen allele CA9026236.
Genomic context (GRCh38, chr19:860,751, plus strand): 5'-CAGCTGAACGGCGCGCACCTGTGCGGCGGCGTCCTGGTGGCGGAGCAGTGGGTGCTGAGC[G>A]CGGCGCACTGCCTGGAGGACGCGTGAGTGCCCGCGCCGCGCGGGGGAAGAGCCCGGGTGC-3'
Protein context (NP_001919.2, residues 54-74): VLVAEQWVLS[Ala64Thr]AHCLEDAADG

ClinVar aggregate classification (germline): Uncertain significance. Review status: criteria provided, multiple submitters, no conflicts (2 of 4 stars). 2 submissions from 2 submitters: Uncertain significance (2). Last evaluated 2022-06-17.

Conditions:
Recurrent Neisseria infections due to factor D deficiency. Also called: FACTOR D DEFICIENCY. Identifiers: Orphanet 169467, MedGen C0398764, MONDO:0013487, OMIM 613912.

Allele frequency attached by ClinVar (database versions not stated): gnomAD 0.00002; TOPMed 0.00003; ExAC 0.00018.
gnomAD v4.1: 23 of 1,567,150 alleles (0.0015%); highest among the groups gnomAD compares: East Asian, 0.028%; no homozygotes.

Submissions (2):

Labcorp Genetics (formerly Invitae), Labcorp
Classification: Uncertain significance. Last evaluated: 2022-06-17. Review status: criteria provided, single submitter. Criteria: Invitae Variant Classification Sherloc (09022015). Collection method: clinical testing. Allele origin: germline.
Comment: This sequence change replaces alanine, which is neutral and non-polar, with threonine, which is neutral and polar, at codon 64 of the CFD protein (p.Ala64Thr). The frequency data for this variant in the population databases is considered unreliable, as metrics indicate poor data quality at this position in the gnomAD database. This variant has not been reported in the literature in individuals affected with CFD-related conditions. Algorithms developed to predict the effect of missense changes on protein structure and function are either unavailable or do not agree on the potential impact of this missense change (SIFT: "Not Available"; PolyPhen-2: "Probably Damaging"; Align-GVGD: "Not Available"). In summary, the available evidence is currently insufficient to determine the role of this variant in disease. Therefore, it has been classified as a Variant of Uncertain Significance.

Juno Genomics, Hangzhou Juno Genomics, Inc
Classification: Uncertain significance for Recurrent Neisseria infections due to factor D deficiency. Review status: criteria provided, single submitter. Criteria: ACMG Guidelines, 2015. Collection method: clinical testing. Allele origin: germline.
Comment: Absent from controls (or at extremely low frequency if recessive) in Genome Aggregation Database.;Multiple lines of computational evidence support a deleterious effect on the gene or gene product.